The following is an entry in ClinVar:

NM_000321.3(RB1):c.2588C>A (p.Ala863Asp)

Gene: RB1 (RB transcriptional corepressor 1; plus strand). Cytogenetic location: 13q14.2.
Variant type: single nucleotide variant.
Coding change: c.2588C>A on transcript NM_000321.3 (MANE Select); coding-DNA position 2588, C replaced by A.
Protein change: p.Ala863Asp; replaces alanine 863 with aspartic acid.
Molecular consequence: missense variant.
Genome position (GRCh38, 1-based): chr13:48,476,768, C>A. VCF-style: chr13-48476768-C-A. GRCh37 (hg19) VCF-style: chr13-49050904-C-A.
Other names: c.2588C>A, p.Ala863Asp (NM_001407165.1); c.38C>A, p.Ala13Asp (NM_001407168.1); short protein forms A13D, A863D.
Identifiers: ClinVar variation 1793448 (VCV001793448.2), dbSNP rs2138359250, ClinGen allele CA388157360.

ClinVar aggregate classification (germline): Uncertain significance (1 of 4 stars; one submission).

Conditions:
Hereditary cancer-predisposing syndrome. Also called: Tumor predisposition; Hereditary Cancer Syndrome; Neoplastic Syndromes, Hereditary; Hereditary neoplastic syndrome. Identifiers: Orphanet 140162, MedGen C0027672, MeSH D009386, MONDO:0015356.

Submission:

Ambry Genetics
Classification: Uncertain significance for Hereditary cancer-predisposing syndrome. Last evaluated: 2022-05-24. Review status: criteria provided, single submitter. Criteria: Ambry Variant Classification Scheme 2023. Collection method: clinical testing. Allele origin: germline.
Comment: The p.A863D variant (also known as c.2588C>A), located in coding exon 25 of the RB1 gene, results from a C to A substitution at nucleotide position 2588. The alanine at codon 863 is replaced by aspartic acid, an amino acid with dissimilar properties. This amino acid position is conserved. In addition, the in silico prediction for this alteration is inconclusive. Since supporting evidence is limited at this time, the clinical significance of this alteration remains unclear.